The following is an entry in ClinVar:

NM_002633.3(PGM1):c.1145-7C>G

Gene: PGM1 (phosphoglucomutase 1; plus strand). Cytogenetic location: 1p31.3.
Variant type: single nucleotide variant.
Coding change: c.1145-7C>G on transcript NM_002633.3 (MANE Select); 7 bases into the intron before coding-DNA position 1145, C replaced by G.
Molecular consequence: intron variant.
Genome position (GRCh38, 1-based): chr1:63,648,510, C>G. VCF-style: chr1-63648510-C-G. GRCh37 (hg19) VCF-style: chr1-64114181-C-G.
Other names: c.554-7C>G (NM_001172819.2); c.1199-7C>G (NM_001172818.1).
Identifiers: ClinVar variation 297883 (VCV000297883.20), dbSNP rs72922609, ClinGen allele CA889746.

ClinVar aggregate classification (germline): Benign/Likely benign. Review status: criteria provided, multiple submitters, no conflicts (2 of 4 stars). 4 submissions from 4 submitters: Benign (2); Likely benign (1). 1 of the submissions does not count toward it. Last evaluated 2026-02-01.

Conditions:
PGM1-congenital disorder of glycosylation. Also called: CDG It; Congenital disorder of glycosylation type 1t; PHOSPHOGLUCOMUTASE 1 DEFICIENCY; PGM1 DEFICIENCY; GLYCOGEN STORAGE DISEASE XIV; GSD XIV. Identifiers: Orphanet 319646, MedGen C2752015, MONDO:0013968, OMIM 614921.

Allele frequency attached by ClinVar (database versions not stated): gnomAD 0.04055; TOPMed 0.04214; ESP Exome Variant Server 0.04652; 1000 Genomes Project 0.04852; 1000 Genomes Project 30x 0.05278.
gnomAD v4.1: 12,257 of 1,614,016 alleles (0.76%); highest among the groups gnomAD compares: African/African-American, 14%; 782 homozygotes.

Submissions (15):

Labcorp Genetics (formerly Invitae), Labcorp
Classification: Benign for PGM1-congenital disorder of glycosylation. Last evaluated: 2026-02-01. Review status: criteria provided, single submitter. Criteria: Invitae Variant Classification Sherloc (09022015). Collection method: clinical testing. Allele origin: germline.

GeneDx
Classification: Benign. Last evaluated: 2016-03-15. Review status: criteria provided, single submitter. Criteria: GeneDx Variant Classification (06012015). Collection method: clinical testing. Allele origin: germline. Affected: yes.
Comment: This variant is considered likely benign or benign based on one or more of the following criteria: it is a conservative change, it occurs at a poorly conserved position in the protein, it is predicted to be benign by multiple in silico algorithms, and/or has population frequency not consistent with disease.

Breakthrough Genomics
Classification: Likely benign. Review status: criteria provided, single submitter. Criteria: ACMG Guidelines, 2015. Collection method: not provided. Allele origin: germline. Inheritance: Autosomal recessive inheritance. Affected: yes.

Mayo Clinic Laboratories, Mayo Clinic
Classification: Benign. Last evaluated: 2017-03-14. Review status: no assertion criteria provided. Collection method: clinical testing. Allele origin: unknown. Not counted in ClinVar's aggregate classification.

Dr. Peter K. Rogan Lab, Western University
No classification provided (evidence only). Condition: Lung cancer. Review status: no classification provided. Collection method: in vitro. Allele origin: not applicable. Functional consequence: retained intron. Not counted in ClinVar's aggregate classification.

Dr. Peter K. Rogan Lab, Western University
No classification provided (evidence only). Condition: Lung cancer. Review status: no classification provided. Collection method: in vitro. Allele origin: not applicable. Functional consequence: retained intron. Not counted in ClinVar's aggregate classification.

Dr. Peter K. Rogan Lab, Western University
No classification provided (evidence only). Condition: Lung cancer. Review status: no classification provided. Collection method: in vitro. Allele origin: not applicable. Functional consequence: retained intron. Not counted in ClinVar's aggregate classification.

Dr. Peter K. Rogan Lab, Western University
No classification provided (evidence only). Condition: Lung cancer. Review status: no classification provided. Collection method: in vitro. Allele origin: not applicable. Functional consequence: retained intron. Not counted in ClinVar's aggregate classification.

Dr. Peter K. Rogan Lab, Western University
No classification provided (evidence only). Condition: Lung cancer. Review status: no classification provided. Collection method: in vitro. Allele origin: not applicable. Functional consequence: retained intron. Not counted in ClinVar's aggregate classification.

Dr. Peter K. Rogan Lab, Western University
No classification provided (evidence only). Condition: Cervical cancer. Review status: no classification provided. Collection method: in vitro. Allele origin: not applicable. Functional consequence: retained intron. Not counted in ClinVar's aggregate classification.

Dr. Peter K. Rogan Lab, Western University
No classification provided (evidence only). Condition: Cervical cancer. Review status: no classification provided. Collection method: in vitro. Allele origin: not applicable. Functional consequence: retained intron. Not counted in ClinVar's aggregate classification.

Dr. Peter K. Rogan Lab, Western University
No classification provided (evidence only). Condition: Sarcoma. Review status: no classification provided. Collection method: in vitro. Allele origin: not applicable. Functional consequence: retained intron. Not counted in ClinVar's aggregate classification.

Dr. Peter K. Rogan Lab, Western University
No classification provided (evidence only). Condition: Ovarian serous cystadenocarcinoma. Review status: no classification provided. Collection method: in vitro. Allele origin: not applicable. Functional consequence: retained intron. Not counted in ClinVar's aggregate classification.

Dr. Peter K. Rogan Lab, Western University
No classification provided (evidence only). Condition: Malignant tumor of esophagus. Review status: no classification provided. Collection method: in vitro. Allele origin: not applicable. Functional consequence: retained intron. Not counted in ClinVar's aggregate classification.

Dr. Peter K. Rogan Lab, Western University
No classification provided (evidence only). Condition: Malignant tumor of esophagus. Review status: no classification provided. Collection method: in vitro. Allele origin: not applicable. Functional consequence: retained intron. Not counted in ClinVar's aggregate classification.